The following is an entry in ClinVar:

NM_000038.6(APC):c.4341A>T (p.Gln1447His)

Gene: APC (APC regulator of Wnt signaling pathway; plus strand). Cytogenetic location: 5q22.2.
Variant type: single nucleotide variant.
Coding change: c.4341A>T on transcript NM_000038.6 (MANE Select); coding-DNA position 4341, A replaced by T.
Protein change: p.Gln1447His; replaces glutamine 1447 with histidine.
Molecular consequence: missense variant.
Genome position (GRCh38, 1-based): chr5:112,839,935, A>T. VCF-style: chr5-112839935-A-T. GRCh37 (hg19) VCF-style: chr5-112175632-A-T.
Other names: c.4341A>T (NM_000038.5); c.4341A>T, p.Gln1447His (NM_001127510.3, NM_001354895.2); c.4287A>T, p.Gln1429His (NM_001127511.3); c.4395A>T, p.Gln1465His (NM_001354896.2); c.4371A>T, p.Gln1457His (NM_001354897.2); c.4266A>T, p.Gln1422His (NM_001354898.2); c.4257A>T, p.Gln1419His (NM_001354899.2); c.4218A>T, p.Gln1406His (NM_001354900.2); and 6 more; short protein forms Q1356H, Q1422H, Q1465H, Q1164H, Q1287H, Q1321H, Q1388H, Q1419H.
Identifiers: ClinVar variation 1423207 (VCV001423207.9), dbSNP rs777153373, ClinGen allele CA16030842.

ClinVar aggregate classification (germline): Uncertain significance. Review status: criteria provided, multiple submitters, no conflicts (2 of 4 stars). 2 submissions from 2 submitters: Uncertain significance (2). Last evaluated 2025-10-07.

Conditions:
Familial adenomatous polyposis 1 (FAP1). Also called: POLYPOSIS, ADENOMATOUS INTESTINAL; FAMILIAL ADENOMATOUS POLYPOSIS 1, ATTENUATED. Identifiers: MedGen C2713442, MONDO:0021056, OMIM 175100. Disease mechanism: loss of function.
Hereditary cancer-predisposing syndrome. Also called: Neoplastic Syndromes, Hereditary; Hereditary Cancer Syndrome; Hereditary neoplastic syndrome; Tumor predisposition. Identifiers: Orphanet 140162, MedGen C0027672, MeSH D009386, MONDO:0015356.

Submissions (2):

Ambry Genetics
Classification: Uncertain significance for Hereditary cancer-predisposing syndrome. Last evaluated: 2025-10-07. Review status: criteria provided, single submitter. Criteria: Ambry Variant Classification Scheme 2023. Collection method: clinical testing. Allele origin: germline.
Comment: The p.Q1447H variant (also known as c.4341A>T), located in coding exon 15 of the APC gene, results from an A to T substitution at nucleotide position 4341. The glutamine at codon 1447 is replaced by histidine, an amino acid with highly similar properties. This amino acid position is conserved. In addition, in silico predictors for this gene do not accurately predict pathogenicity. Based on the available evidence, the clinical significance of this variant remains unclear.

Labcorp Genetics (formerly Invitae), Labcorp
Classification: Uncertain significance for Familial adenomatous polyposis 1. Last evaluated: 2021-04-29. Review status: criteria provided, single submitter. Criteria: Invitae Variant Classification Sherloc (09022015). Collection method: clinical testing. Allele origin: germline.
Comment: This sequence change replaces glutamine with histidine at codon 1447 of the APC protein (p.Gln1447His). The glutamine residue is highly conserved and there is a small physicochemical difference between glutamine and histidine. This variant is not present in population databases (ExAC no frequency). This variant has not been reported in the literature in individuals with APC-related conditions. Algorithms developed to predict the effect of missense changes on protein structure and function are either unavailable or do not agree on the potential impact of this missense change (SIFT: "Deleterious"; PolyPhen-2: "Benign"; Align-GVGD: "Class C0"). In summary, the available evidence is currently insufficient to determine the role of this variant in disease. Therefore, it has been classified as a Variant of Uncertain Significance.